The following is an entry in ClinVar:

NM_152564.5(VPS13B):c.3839G>A (p.Ser1280Asn)

Gene: VPS13B (vacuolar protein sorting 13 homolog B; plus strand). Cytogenetic location: 8q22.2.
Variant type: single nucleotide variant.
Coding change: c.3839G>A on transcript NM_152564.5 (MANE Select); coding-DNA position 3839, G replaced by A.
Protein change: p.Ser1280Asn; replaces serine 1280 with asparagine.
Molecular consequence: missense variant.
Genome position (GRCh38, 1-based): chr8:99,481,771, G>A. VCF-style: chr8-99481771-G-A. GRCh37 (hg19) VCF-style: chr8-100493999-G-A.
Other names: c.3839G>A, p.Ser1280Asn (NM_017890.5); short protein forms S1280N.
Identifiers: ClinVar variation 1042742 (VCV001042742.6), dbSNP rs1441125749, ClinGen allele CA371867000.

ClinVar aggregate classification (germline): Uncertain significance. Review status: criteria provided, multiple submitters, no conflicts (2 of 4 stars). 2 submissions from 2 submitters: Uncertain significance (2). Last evaluated 2020-01-28.

Conditions:
Cohen syndrome (COH1). Also called: PEPPER SYNDROME; Cutis verticis gyrata, retinitis pigmentosa, and sensorineural deafness. Identifiers: Orphanet 193, MedGen C0265223, MONDO:0008999, OMIM 216550.

Allele frequency attached by ClinVar (database versions not stated): gnomAD exomes below 0.00001; gnomAD 0.00001; TOPMed 0.00003.
gnomAD v4.1: 2 of 1,613,774 alleles (0.00012%); highest among the groups gnomAD compares: African/African-American, 0.0027%; no homozygotes.

Submissions (2):

Labcorp Genetics (formerly Invitae), Labcorp
Classification: Uncertain significance for Cohen syndrome. Last evaluated: 2020-01-28. Review status: criteria provided, single submitter. Criteria: Invitae Variant Classification Sherloc (09022015). Collection method: clinical testing. Allele origin: germline.
Comment: In summary, the available evidence is currently insufficient to determine the role of this variant in disease. Therefore, it has been classified as a Variant of Uncertain Significance. Algorithms developed to predict the effect of missense changes on protein structure and function are either unavailable or do not agree on the potential impact of this missense change (SIFT: "Not Available"; PolyPhen-2: "Probably Damaging"; Align-GVGD: "Not Available"). This variant has not been reported in the literature in individuals with VPS13B-related conditions. This variant is not present in population databases (ExAC no frequency). This sequence change replaces serine with asparagine at codon 1280 of the VPS13B protein (p.Ser1280Asn). The serine residue is moderately conserved and there is a small physicochemical difference between serine and asparagine.

Breakthrough Genomics
Classification: Uncertain significance. Review status: criteria provided, single submitter. Criteria: ACMG Guidelines, 2015. Collection method: not provided. Allele origin: germline. Inheritance: Autosomal recessive inheritance. Affected: yes.